The following is an entry in ClinVar:

ClinVar aggregate classification (germline): Uncertain significance (1 of 4 stars; one submission).

Conditions:
Combined immunodeficiency due to LRBA deficiency. Also called: Common variable immunodeficiency 8, with autoimmunity. Identifiers: Orphanet 445018, MedGen C3553512, MONDO:0013863, OMIM 614700.

Submission:

Labcorp Genetics (formerly Invitae), Labcorp
Classification: Uncertain significance for Combined immunodeficiency due to LRBA deficiency. Last evaluated: 2022-07-29. Review status: criteria provided, single submitter. Criteria: Invitae Variant Classification Sherloc (09022015). Collection method: clinical testing. Allele origin: germline.
Comment: This variant results in a copy number gain of the genomic region encompassing exon(s) 2-34 of the LRBA gene. This region includes the initiator codon of the gene. This copy number gain extends beyond the assayed region for this gene and therefore may encompass additional genes. As the precise location of this event is unknown, it may be in tandem or it may be located elsewhere in the genome. This variant has not been reported in the literature in individuals affected with LRBA-related conditions. Experimental studies and prediction algorithms are not available or were not evaluated, and the functional significance of this variant is currently unknown. In summary, the available evidence is currently insufficient to determine the role of this variant in disease. Therefore, it has been classified as a Variant of Uncertain Significance.

NC_000004.11:g.(?_151719213)_(151935794_?)dup

Gene: LRBA (LPS responsive beige-like anchor protein; minus strand). Cytogenetic location: 4q31.3.
Variant type: Duplication.
Identifiers: ClinVar variation 2425638 (VCV002425638.3).